The following is an entry in ClinVar:

ClinVar aggregate classification (germline): Benign/Likely benign. Review status: criteria provided, multiple submitters, no conflicts (2 of 4 stars). 3 submissions from 3 submitters: Benign (1); Likely benign (2). Last evaluated 2025-08-20.

Conditions:
Hereditary cancer-predisposing syndrome. Also called: Hereditary Cancer Syndrome; Hereditary neoplastic syndrome; Tumor predisposition; Neoplastic Syndromes, Hereditary. Identifiers: Orphanet 140162, MedGen C0027672, MeSH D009386, MONDO:0015356.
Familial cancer of breast. Also called: BREAST CANCER, FAMILIAL; Hereditary breast cancer; hereditary breast carcinoma. Identifiers: Orphanet 227535, MedGen C0346153, MONDO:0016419, OMIM 114480. Disease mechanism: loss of function.

Submissions (3):

Labcorp Genetics (formerly Invitae), Labcorp
Classification: Likely benign for Familial cancer of breast. Last evaluated: 2025-08-20. Review status: criteria provided, single submitter. Criteria: Invitae Variant Classification Sherloc (09022015). Collection method: clinical testing. Allele origin: germline.

Myriad Genetics, Inc.
Classification: Benign for Familial cancer of breast. Last evaluated: 2025-01-16. Review status: criteria provided, single submitter. Criteria: Myriad Autosomal Dominant, Autosomal Recessive and X-Linked Classification Criteria (2023). Collection method: clinical testing. Allele origin: unknown.
Comment: This variant is considered benign. This variant is a silent/synonymous amino acid change and it is not expected to impact splicing.

Ambry Genetics
Classification: Likely benign for Hereditary cancer-predisposing syndrome. Last evaluated: 2022-09-28. Review status: criteria provided, single submitter. Criteria: Ambry Variant Classification Scheme 2023. Collection method: clinical testing. Allele origin: germline.

NM_024675.4(PALB2):c.2505C>G (p.Ser835=)

Gene: PALB2 (partner and localizer of BRCA2; minus strand). Cytogenetic location: 16p12.2.
Variant type: single nucleotide variant.
Coding change: c.2505C>G on transcript NM_024675.4 (MANE Select); coding-DNA position 2505, C replaced by G.
Protein change: p.Ser835=; no amino-acid change (serine 835 retained).
Molecular consequence: synonymous variant. On other transcripts: intron variant (1).
Genome position (GRCh38, 1-based): chr16:23,629,649, G>C on the plus strand (C>G on the coding strand, the complement: PALB2 is on the minus strand). VCF-style: chr16-23629649-G-C. GRCh37 (hg19) VCF-style: chr16-23640970-G-C.
Other names: c.2445C>G, p.Ser815= (NM_001407296.1); c.2505C>G, p.Ser835= (NM_001407297.1, NM_001407298.1, NM_001407299.1 and 3 more transcripts); c.1620C>G, p.Ser540= (NM_001407304.1, NM_001407305.1, NM_001407306.1 and 5 more transcripts); c.717C>G, p.Ser239= (NM_001407312.1, NM_001407313.1); c.49-374C>G (NM_001407314.1).
Identifiers: ClinVar variation 1792306 (VCV001792306.5), dbSNP rs756502783, ClinGen allele CA494460861.